The following is an entry in ClinVar:

ClinVar aggregate classification (germline): Uncertain significance (1 of 4 stars; one submission).

Conditions:
Autosomal recessive distal spinal muscular atrophy 2. Also called: NEURONOPATHY, DISTAL HEREDITARY MOTOR, JERASH TYPE; NEUROPATHY, DISTAL HEREDITARY MOTOR, JERASH TYPE; SPINAL MUSCULAR ATROPHY, JERASH TYPE; Hereditary motor neuropathy, Jerash type; Motor neuropathy, distal, Jerash type; NEUROPATHY, DISTAL HEREDITARY MOTOR, AUTOSOMAL RECESSIVE 2. Identifiers: Orphanet 139552, MedGen C1854023, MONDO:0011585, OMIM 605726.
Amyotrophic lateral sclerosis type 16. Also called: AMYOTROPHIC LATERAL SCLEROSIS 16, JUVENILE. Identifiers: Orphanet 300605, MedGen C3280587, MONDO:0013715, OMIM 614373.

Allele frequency attached by ClinVar (database versions not stated): gnomAD 0.00001; ESP Exome Variant Server 0.00008; gnomAD exomes below 0.00001; TOPMed 0.00001; ExAC 0.00001.
gnomAD v4.1: 4 of 1,605,448 alleles (0.00025%); highest among the groups gnomAD compares: Non-Finnish European, 0.000085%; no homozygotes.

Submission:

Labcorp Genetics (formerly Invitae), Labcorp
Classification: Uncertain significance for Autosomal recessive distal spinal muscular atrophy 2; Amyotrophic lateral sclerosis type 16. Last evaluated: 2022-03-18. Review status: criteria provided, single submitter. Criteria: Invitae Variant Classification Sherloc (09022015). Collection method: clinical testing. Allele origin: germline.
Comment: This variant is present in population databases (rs147152233, gnomAD 0.04%). This variant has not been reported in the literature in individuals affected with SIGMAR1-related conditions. Algorithms developed to predict the effect of missense changes on protein structure and function are either unavailable or do not agree on the potential impact of this missense change (SIFT: "Deleterious"; PolyPhen-2: "Possibly Damaging"; Align-GVGD: "Class C0"). In summary, the available evidence is currently insufficient to determine the role of this variant in disease. Therefore, it has been classified as a Variant of Uncertain Significance. This sequence change replaces valine, which is neutral and non-polar, with alanine, which is neutral and non-polar, at codon 73 of the SIGMAR1 protein (p.Val73Ala).

NM_005866.4(SIGMAR1):c.218T>C (p.Val73Ala)

Gene: SIGMAR1 (sigma receptor chaperone 1; minus strand). Cytogenetic location: 9p13.3.
Variant type: single nucleotide variant.
Coding change: c.218T>C on transcript NM_005866.4 (MANE Select); coding-DNA position 218, T replaced by C.
Protein change: p.Val73Ala; replaces valine 73 with alanine.
Molecular consequence: missense variant. On other transcripts: 5 prime UTR variant (1), non-coding transcript variant (1).
Genome position (GRCh38, 1-based): chr9:34,637,354, A>G on the plus strand (T>C on the coding strand, the complement: SIGMAR1 is on the minus strand). VCF-style: chr9-34637354-A-G. GRCh37 (hg19) VCF-style: chr9-34637351-A-G.
Other names: c.218T>C, p.Val73Ala (NM_001282205.2, NM_001282208.2, NM_001282209.2 and 1 more transcripts); c.-36T>C (NM_001282206.2); c.158T>C, p.Val53Ala (NM_001282207.2); short protein forms V53A, V73A.
Identifiers: ClinVar variation 2159081 (VCV002159081.4), dbSNP rs147152233, ClinGen allele CA5035921.